The following is an entry in ClinVar:

ClinVar aggregate classification (germline): Uncertain significance (1 of 4 stars; one submission).

gnomAD v4.1: 6 of 1,610,176 alleles (0.00037%); highest among the groups gnomAD compares: Non-Finnish European, 0.00051%; no homozygotes.

Submission:

CeGaT Center for Human Genetics Tuebingen
Classification: Uncertain significance. Last evaluated: 2026-09-01. Review status: criteria provided, single submitter. Criteria: CeGaT Center For Human Genetics Tuebingen Variant Classification Criteria Version 2. Collection method: clinical testing. Allele origin: germline. Affected: yes. Observed: 1 variant allele.
Comment: PIGS: PM2, PM3:Supporting, BP4

NM_033198.4(PIGS):c.33A>G (p.Leu11=)

Gene: PIGS (phosphatidylinositol glycan anchor biosynthesis class S; minus strand). Cytogenetic location: 17q11.2.
Variant type: single nucleotide variant.
Coding change: c.33A>G on transcript NM_033198.4 (MANE Select); coding-DNA position 33, A replaced by G.
Protein change: p.Leu11=; no amino-acid change (leucine 11 retained).
Molecular consequence: synonymous variant.
Genome position (GRCh38, 1-based): chr17:28,571,464, T>C on the plus strand (A>G on the coding strand, the complement: PIGS is on the minus strand). VCF-style: chr17-28571464-T-C. GRCh37 (hg19) VCF-style: chr17-26898482-T-C.
Identifiers: ClinVar variation 5041176 (VCV005041176.1).